The following is an entry in ClinVar:

NM_001163435.3(TBCK):c.1731C>G (p.Tyr577Ter)

Gene: TBCK (TBC1 domain containing kinase; minus strand). Cytogenetic location: 4q24.
Variant type: single nucleotide variant.
Coding change: c.1731C>G on transcript NM_001163435.3 (MANE Select); coding-DNA position 1731, C replaced by G.
Protein change: p.Tyr577Ter; replaces tyrosine 577 with a stop codon.
Molecular consequence: nonsense.
Genome position (GRCh38, 1-based): chr4:106,230,406, G>C on the plus strand (C>G on the coding strand, the complement: TBCK is on the minus strand). VCF-style: chr4-106230406-G-C. GRCh37 (hg19) VCF-style: chr4-107151563-G-C.
Other names: NM_001163435.3(TBCK):c.1731C>G; p.Tyr577Ter; c.1731C>G (NM_001163435.1); c.1731C>G, p.Tyr577Ter (NM_001163436.4); c.1614C>G, p.Tyr538Ter (NM_001163437.3); c.1215C>G, p.Tyr405Ter (NM_001290768.2); c.1542C>G, p.Tyr514Ter (NM_033115.5); short protein forms Y538*, Y405*, Y514*, Y577*.
Identifiers: ClinVar variation 2184433 (VCV002184433.4), dbSNP rs962500324, ClinGen allele CA102832180.

ClinVar aggregate classification (germline): Conflicting classifications of pathogenicity. Review status: criteria provided, conflicting classifications (1 of 4 stars). 3 submissions from 3 submitters: Pathogenic (2); Uncertain significance (1). Last evaluated 2025-01-13.

Conditions:
Hypotonia, infantile, with psychomotor retardation and characteristic facies 3 (IHPRF3). Also called: TBCK-Related Neurodevelopmental Disorder. Identifiers: Orphanet 488632, MedGen C5567480, MONDO:0014823, OMIM 616900.
Inborn genetic diseases. Identifiers: MedGen C0950123, MeSH D030342.

Allele frequency attached by ClinVar (database versions not stated): gnomAD 0.00006; TOPMed 0.00008.
gnomAD v4.1: 9 of 1,602,816 alleles (0.00056%); highest among the groups gnomAD compares: Admixed American, 0.01%; no homozygotes.

Submissions (3):

Broad Center for Mendelian Genomics, Broad Institute of MIT and Harvard
Classification: Uncertain significance for Hypotonia, infantile, with psychomotor retardation and characteristic facies 3. Last evaluated: 2025-01-13. Review status: criteria provided, single submitter. Criteria: ACMG Guidelines, 2015. Collection method: curation. Allele origin: germline. Inheritance: Autosomal recessive inheritance.
Comment: The p.Tyr577Ter variant in TBCK has not been previously reported in the literature in individuals with TBCK-related intellectual disability syndrome, but has been identified in 0.01% (6/59742) of Admixed American chromosomes by the Genome Aggregation Database (gnomAD; dbSNP rs962500324). Although this variant has been seen in the general population in a heterozygous state, its frequency is low enough to be consistent with a recessive carrier frequency. This variant has also been reported in ClinVar (Variation ID: 2184433) and has been interpreted as pathogenic by Invitae and Ambry Genetics. This nonsense variant leads to a premature termination codon at position 577, which is predicted to lead to a truncated or absent protein. Please note that all 9 individuals in gnomAD have this change in phase with an additional nucleotide change, resulting in a multinucleotide variant {p.Tyr577Lys}. In summary, the clinical significance of the p.Tyr577Ter variant is uncertain. ACMG/AMP Criteria applied: PM2_supporting (Richards 2015).

Ambry Genetics
Classification: Pathogenic for Inborn genetic diseases. Last evaluated: 2022-10-18. Review status: criteria provided, single submitter. Criteria: Ambry Variant Classification Scheme 2023. Collection method: clinical testing. Allele origin: germline.
Comment: The c.1731C>G (p.Y577*) alteration, located in exon 19 (coding exon 18) of the TBCK gene, consists of a C to G substitution at nucleotide position 1731. This changes the amino acid from a tyrosine (Y) to a stop codon at amino acid position 577. This alteration is expected to result in loss of function by premature protein truncation or nonsense-mediated mRNA decay. This variant was not reported in population-based cohorts in the Genome Aggregation Database (gnomAD). Based on the available evidence, this alteration is classified as pathogenic.

Labcorp Genetics (formerly Invitae), Labcorp
Classification: Pathogenic. Last evaluated: 2022-08-19. Review status: criteria provided, single submitter. Criteria: Invitae Variant Classification Sherloc (09022015). Collection method: clinical testing. Allele origin: germline.
Comment: For these reasons, this variant has been classified as Pathogenic. Algorithms developed to predict the effect of sequence changes on RNA splicing suggest that this variant may create or strengthen a splice site. This variant has not been reported in the literature in individuals affected with TBCK-related conditions. This variant is not present in population databases (gnomAD no frequency). This sequence change creates a premature translational stop signal (p.Tyr577*) in the TBCK gene. It is expected to result in an absent or disrupted protein product. Loss-of-function variants in TBCK are known to be pathogenic (PMID: 27040692, 30103036).

Literature cited by the submitters: PubMed 27040692 (cited by Labcorp Genetics (formerly Invitae), Labcorp); PubMed 30103036 (cited by Labcorp Genetics (formerly Invitae), Labcorp).